The following is an entry in ClinVar:

NM_018715.4(RCC2):c.96G>A (p.Ala32=)

Genes: RCC2 (regulator of chromosome condensation 2; minus strand), LOC129929546 (ATAC-STARR-seq lymphoblastoid silent region 342; plus strand). Cytogenetic location: 1p36.13.
Variant type: single nucleotide variant.
Coding change: c.96G>A on transcript NM_018715.4 (MANE Select); coding-DNA position 96, G replaced by A.
Protein change: p.Ala32=; no amino-acid change (alanine 32 retained).
Molecular consequence: synonymous variant.
Genome position (GRCh38, 1-based): chr1:17,438,419, C>T on the plus strand (G>A on the coding strand, the complement: RCC2 is on the minus strand). VCF-style: chr1-17438419-C-T. GRCh37 (hg19) VCF-style: chr1-17764915-C-T.
Other names: c.96G>A, p.Ala32= (NM_001136204.3).
Identifiers: ClinVar variation 2638396 (VCV002638396.24), dbSNP rs527576288, ClinGen allele CA642492.

ClinVar aggregate classification (germline): Likely benign (1 of 4 stars; one submission).

Allele frequency attached by ClinVar (database versions not stated): 1000 Genomes Project 0.00060; 1000 Genomes Project 30x 0.00141; gnomAD 0.00471; TOPMed 0.00491; ExAC 0.04000.
gnomAD v4.1: 9,724 of 1,273,264 alleles (0.76%); highest among the groups gnomAD compares: Non-Finnish European, 0.86%; 50 homozygotes.

Submission:

CeGaT Center for Human Genetics Tuebingen
Classification: Likely benign. Last evaluated: 2022-09-01. Review status: criteria provided, single submitter. Criteria: CeGaT Center For Human Genetics Tuebingen Variant Classification Criteria Version 2. Collection method: clinical testing. Allele origin: germline. Affected: yes. Observed: 1 variant allele.
Comment: RCC2: BP4, BP7